The following is an entry in ClinVar:

ClinVar aggregate classification (germline): Uncertain significance (1 of 4 stars; one submission).

Allele frequency attached by ClinVar (database versions not stated): ExAC 0.00001; gnomAD exomes 0.00001.
gnomAD v4.1: 8 of 1,208,633 alleles (0.00066%); highest among the groups gnomAD compares: Admixed American, 0.0044%; no homozygotes.

Submission:

GeneDx
Classification: Uncertain significance. Last evaluated: 2019-04-09. Review status: criteria provided, single submitter. Criteria: GeneDx Variant Classification Process June 2021. Collection method: clinical testing. Allele origin: germline. Affected: yes.
Comment: Has not been previously published as pathogenic or benign to our knowledge; In-silico analysis, which includes splice predictors and evolutionary conservation, is inconclusive as to whether the variant alters gene splicing. In the absence of RNA/functional studies, the actual effect of this sequence change is unknown.

NM_001081550.2(THOC2):c.4766C>T (p.Ser1589Leu)

Gene: THOC2 (THO complex subunit 2; minus strand). Cytogenetic location: Xq25.
Variant type: single nucleotide variant.
Coding change: c.4766C>T on transcript NM_001081550.2 (MANE Select); coding-DNA position 4766, C replaced by T.
Protein change: p.Ser1589Leu; replaces serine 1589 with leucine.
Molecular consequence: missense variant.
Genome position (GRCh38, 1-based): chrX:123,610,952, G>A on the plus strand (C>T on the coding strand, the complement: THOC2 is on the minus strand). VCF-style: chrX-123610952-G-A. GRCh37 (hg19) VCF-style: chrX-122744803-G-A.
Other names: short protein forms S1589L.
Identifiers: ClinVar variation 1186698 (VCV001186698.2), dbSNP rs752066937, ClinGen allele CA10507258.